The following is an entry in ClinVar:

NM_138409.4(MRAP2):c.330G>A (p.Glu110=)

Gene: MRAP2 (melanocortin 2 receptor accessory protein 2; plus strand). Cytogenetic location: 6q14.2.
Variant type: single nucleotide variant.
Coding change: c.330G>A on transcript NM_138409.4 (MANE Select); coding-DNA position 330, G replaced by A.
Protein change: p.Glu110=; no amino-acid change (glutamic acid 110 retained).
Molecular consequence: synonymous variant.
Genome position (GRCh38, 1-based): chr6:84,089,193, G>A. VCF-style: chr6-84089193-G-A. GRCh37 (hg19) VCF-style: chr6-84798912-G-A.
Other names: c.72G>A, p.Glu24= (NM_001346541.2); c.330G>A, p.Glu110= (NM_001346542.2, NM_001346544.2); c.165G>A, p.Glu55= (NM_001346543.2).
Identifiers: ClinVar variation 4984307 (VCV004984307.1).

ClinVar aggregate classification (germline): Likely benign (1 of 4 stars; one submission).

Conditions:
MRAP2-related disorder. Also called: MRAP2-related condition.

gnomAD v4.1: 1 of 1,614,064 alleles (0.000062%); highest among the groups gnomAD compares: African/African-American, 0.0013%; no homozygotes.

Submission:

PreventionGenetics, part of Exact Sciences
Classification: Likely benign for MRAP2-related condition. Last evaluated: 2026-01-30. Review status: criteria provided, single submitter. Criteria: ACMG Guidelines, 2015. Collection method: clinical testing. Allele origin: germline.
Comment: This variant is classified as likely benign based on ACMG/AMP sequence variant interpretation guidelines (Richards et al. 2015 PMID: 25741868, with internal and published modifications).